The following is an entry in ClinVar:

NM_000209.4(PDX1):c.52T>C (p.Cys18Arg)

Gene: PDX1 (pancreatic and duodenal homeobox 1; plus strand). Cytogenetic location: 13q12.2.
Variant type: single nucleotide variant.
Coding change: c.52T>C on transcript NM_000209.4 (MANE Select); coding-DNA position 52, T replaced by C.
Protein change: p.Cys18Arg; replaces cysteine 18 with arginine.
Molecular consequence: missense variant.
Genome position (GRCh38, 1-based): chr13:27,920,190, T>C. VCF-style: chr13-27920190-T-C. GRCh37 (hg19) VCF-style: chr13-28494327-T-C.
Other names: short protein forms C18R.
Identifiers: ClinVar variation 8862 (VCV000008862.14), dbSNP rs137852785, ClinGen allele CA325635.

ClinVar aggregate classification (germline): Uncertain significance. Review status: criteria provided, multiple submitters, no conflicts (2 of 4 stars). 6 submissions from 6 submitters: Uncertain significance (5). 1 of the submissions does not count toward it. Last evaluated 2025-12-21.

Conditions:
Maturity-onset diabetes of the young type 4 (MODY4). Also called: MODY, type IV; Maturity-onset diabetes of the young, type IV. Identifiers: Orphanet 552, MedGen C1833382, MONDO:0011667, OMIM 606392.
Type 2 diabetes mellitus. Also called: Type II diabetes mellitus. Identifiers: MedGen C0011860, MeSH D003924, MONDO:0005148, OMIM 125853, HP:0005978.
Pancreatic agenesis 1 (PAGEN1). Also called: PANCREATIC HYPOPLASIA, CONGENITAL. Identifiers: Orphanet 2805, MedGen C3891828, MONDO:0024547, OMIM 260370.
Diabetes mellitus type 2, susceptibility to. Identifiers: MedGen C3837967.

Allele frequency attached by ClinVar (database versions not stated): ExAC below 0.00001; gnomAD 0.00011; gnomAD exomes 0.00011; TOPMed 0.00015; 1000 Genomes Project 30x 0.00016; 1000 Genomes Project 0.00020.

Submissions (6):

Labcorp Genetics (formerly Invitae), Labcorp
Classification: Uncertain significance. Last evaluated: 2025-12-21. Review status: criteria provided, single submitter. Criteria: Invitae Variant Classification Sherloc (09022015). Collection method: clinical testing. Allele origin: germline.
Comment: This sequence change replaces cysteine, which is neutral and slightly polar, with arginine, which is basic and polar, at codon 18 of the PDX1 protein (p.Cys18Arg). This variant is present in population databases (rs137852785, gnomAD 0.02%). This missense change has been observed in individual(s) with type 1 diabetes, type 2 diabetes, or maturity onset diabetes of the young (PMID: 10545530, 11022198, 30191644). ClinVar contains an entry for this variant (Variation ID: 8862). Invitae Evidence Modeling of protein sequence and biophysical properties (such as structural, functional, and spatial information, amino acid conservation, physicochemical variation, residue mobility, and thermodynamic stability) indicates that this missense variant is expected to disrupt PDX1 protein function with a positive predictive value of 95%. Experimental studies have shown that this missense change affects PDX1 function (PMID: 10545530, 30930126). In summary, the available evidence is currently insufficient to determine the role of this variant in disease. Therefore, it has been classified as a Variant of Uncertain Significance.

Blueprint Genetics
Classification: Uncertain significance. Last evaluated: 2024-09-21. Review status: criteria provided, single submitter. Criteria: ACMG Guidelines, 2015. Collection method: clinical testing. Allele origin: germline.

Fulgent Genetics
Classification: Uncertain significance for Type 2 diabetes mellitus; Pancreatic agenesis 1; Maturity-onset diabetes of the young type 4. Last evaluated: 2024-01-22. Review status: criteria provided, single submitter. Criteria: ACMG Guidelines, 2015. Collection method: clinical testing. Allele origin: germline.

Broad Center for Mendelian Genomics, Broad Institute of MIT and Harvard
Classification: Uncertain significance for Diabetes mellitus type 2. Last evaluated: 2020-01-22. Review status: criteria provided, single submitter. Criteria: ACMG Guidelines, 2015. Collection method: curation. Allele origin: germline. Inheritance: Autosomal dominant inheritance.
Comment: The p.Cys18Arg variant in PDX1 has been reported in at least 3 individuals with type 2 diabetes mellitus (PMID: 10545530, 27879214; DOI: 10.7324/JABB.2013.1205), and has been identified in 0.02173% (15/69030) of European (non-Finnish) chromosomes, 0.01066% (2/18762) of European (Finnish) chromosomes, and 0.003943% (1/25360) of Latino chromosomes by the Genome Aggregation Database (gnomAD; dbSNP rs137852785). In vitro functional studies provide some evidence that the p.Cys18Arg variant may slightly impact protein function, resulting in moderately decreased binding activity to the insulin promoter and decreased transcription of insulin in response to hyperglycemia (PMID: 30930126, 10545530). However, these types of assays may not accurately represent biological function. Computational prediction tools and conservation analyses suggest that this variant may impact the protein, though this information is not predictive enough to determine pathogenicity. The p.Cys18Arg variant did not segregate with type 2 diabetes mellitus in 3 affected relatives of individuals with the variant, suggesting that this variant is not pathogenic for type 2 diabetes mellitus (PMID: 10545530). The variant is located in a region of PDX1 that is important for protein binding, suggesting that this variant is in a functional domain and slighly supports pathogenicity (PMID: 27879214). In summary, the clinical significance of the p.Cys18Arg variant is uncertain. ACMG/AMP Criteria applied: BS4, PP3, PS4_supporting, PS3_supporting, PM1_supporting (Richards 2015).

GeneDx
Classification: Uncertain significance. Last evaluated: 2019-07-25. Review status: criteria provided, single submitter. Criteria: GeneDx Variant Classification Process June 2021. Collection method: clinical testing. Allele origin: germline. Affected: yes.
Comment: Published functional studies demonstrate a damaging effect with moderate reduction in insulin gene activation by the PDX1 protein, reduced glucose response function, and impaired function on beta-like cell differentiation (Macfarlane et al., 1999; Wang et al., 2019); In silico analysis, which includes protein predictors and evolutionary conservation, supports a deleterious effect; Identified in individuals with diabetes in published literature (Macfarlane et al., 1999; Flannick et al., 2013). However, this variant did not segregate with disease in one family and was observed in a control subject in another study (Macfarlane et al., 1999; Edghill et al., 2011); This variant is associated with the following publications: (PMID: 28609558, 24097065, 21569088, 11914043, 10545530, 29034891, 27879214, 30930126, 30191644, 31589614)

OMIM
Classification: risk factor for TYPE 2 DIABETES MELLITUS, SUSCEPTIBILITY TO. Last evaluated: 1999-11-01. Review status: no assertion criteria provided. Collection method: literature only. Allele origin: germline. Not counted in ClinVar's aggregate classification.

Literature cited by the submitters: PubMed 10545530 (cited by 3 submitters); PubMed 11022198 (cited by Labcorp Genetics (formerly Invitae), Labcorp); PubMed 30191644 (cited by Labcorp Genetics (formerly Invitae), Labcorp); PubMed 30930126 (cited by Labcorp Genetics (formerly Invitae), Labcorp and Broad Center for Mendelian Genomics, Broad Institute of MIT and Harvard); PubMed 27879214 (cited by Broad Center for Mendelian Genomics, Broad Institute of MIT and Harvard).